The following is an entry in ClinVar:

ClinVar aggregate classification (germline): Likely benign. Review status: criteria provided, multiple submitters, no conflicts (2 of 4 stars). 2 submissions from 2 submitters: Likely benign (2). Last evaluated 2026-01-01.

gnomAD v4.1: 220 of 1,612,152 alleles (0.014%); highest among the groups gnomAD compares: East Asian, 0.018%; no homozygotes.

Submissions (2):

CeGaT Center for Human Genetics Tuebingen
Classification: Likely benign. Last evaluated: 2026-01-01. Review status: criteria provided, single submitter. Criteria: CeGaT Center For Human Genetics Tuebingen Variant Classification Criteria Version 2. Collection method: clinical testing. Allele origin: germline. Affected: yes. Observed: 1 variant allele.
Comment: KDM4B: BP4, BP7

Blueprint Genetics
Classification: Likely benign. Last evaluated: 2024-04-11. Review status: criteria provided, single submitter. Criteria: ACMG Guidelines, 2015. Collection method: clinical testing. Allele origin: germline.

NM_015015.3(KDM4B):c.1590C>T (p.Tyr530=)

Gene: KDM4B (lysine demethylase 4B; plus strand). Cytogenetic location: 19p13.3.
Variant type: single nucleotide variant.
Coding change: c.1590C>T on transcript NM_015015.3 (MANE Select); coding-DNA position 1590, C replaced by T.
Protein change: p.Tyr530=; no amino-acid change (tyrosine 530 retained).
Molecular consequence: synonymous variant.
Genome position (GRCh38, 1-based): chr19:5,131,350, C>T. VCF-style: chr19-5131350-C-T. GRCh37 (hg19) VCF-style: chr19-5131361-C-T.
Other names: c.1692C>T, p.Tyr564= (NM_001411148.1).
Identifiers: ClinVar variation 4821330 (VCV004821330.5).